The following is an entry in ClinVar:

ClinVar aggregate classification (germline): Uncertain significance (1 of 4 stars; one submission).

gnomAD v4.1: 3 of 1,613,768 alleles (0.00019%); highest among the groups gnomAD compares: Non-Finnish European, 0.00025%; no homozygotes.

Submission:

Mayo Clinic Laboratories, Mayo Clinic
Classification: Uncertain significance. Last evaluated: 2023-12-19. Review status: criteria provided, single submitter. Criteria: ACMG Guidelines, 2015. Collection method: clinical testing. Allele origin: germline. Observed: 1 variant allele.
Comment: BP4, PM2_moderate

NM_005051.3(QARS1):c.278A>T (p.Tyr93Phe)

Gene: QARS1 (glutaminyl-tRNA synthetase 1; minus strand). Cytogenetic location: 3p21.31.
Variant type: single nucleotide variant.
Coding change: c.278A>T on transcript NM_005051.3 (MANE Select); coding-DNA position 278, A replaced by T.
Protein change: p.Tyr93Phe; replaces tyrosine 93 with phenylalanine.
Molecular consequence: missense variant. On other transcripts: non-coding transcript variant (1).
Genome position (GRCh38, 1-based): chr3:49,103,960, T>A on the plus strand (A>T on the coding strand, the complement: QARS1 is on the minus strand). VCF-style: chr3-49103960-T-A. GRCh37 (hg19) VCF-style: chr3-49141393-T-A.
Other names: p.Tyr93Phe; c.245A>T, p.Tyr82Phe (NM_001272073.2); short protein forms Y82F, Y93F.
Identifiers: ClinVar variation 3379467 (VCV003379467.1).
Genomic context (GRCh38, chr3:49,103,960, plus strand): 5'-ACGCCACATTCCCGCTCGAAGTCCACAGTGTCGATGGGGTCCAAGGGGTGACTCCGCACA[T>A]ACTCAAGGGCAGCTGAGAAGAAAGAGCCCGTGAGTTTGTGGCATCTCTGCTCCAAGAAGT-3'
Protein context (NP_005042.1, residues 83-103): TEPQLSAALE[Tyr93Phe]VRSHPLDPID